The following is an entry in ClinVar:

ClinVar aggregate classification (germline): Likely benign. Review status: criteria provided, multiple submitters, no conflicts (2 of 4 stars). 4 submissions from 4 submitters: Likely benign (4). Last evaluated 2025-06-03.

Conditions:
Infantile nephronophthisis (NPHP2). Also called: Nephronophthisis 2, infantile; Nephronophthisis 2. Identifiers: Orphanet 655, Orphanet 93591, MedGen C1865872, MONDO:0011190, OMIM 602088.
INVS-related disorder. Also called: INVS-related condition.
Nephronophthisis. Also called: Juvenile Nephronophthisis. Identifiers: Orphanet 655, MedGen C0687120, MONDO:0019005, HP:0000090.

Allele frequency attached by ClinVar (database versions not stated): gnomAD 0.00001; ExAC 0.00002; gnomAD exomes 0.00002 and 0.00003; TOPMed 0.00003.
gnomAD v4.1: 44 of 1,613,944 alleles (0.0027%); highest among the groups gnomAD compares: Non-Finnish European, 0.0035%; no homozygotes.

Submissions (4):

PreventionGenetics, part of Exact Sciences
Classification: Likely benign for INVS-related condition. Last evaluated: 2025-06-03. Review status: criteria provided, single submitter. Criteria: ACMG Guidelines, 2015. Collection method: clinical testing. Allele origin: germline.
Comment: This variant is classified as likely benign based on ACMG/AMP sequence variant interpretation guidelines (Richards et al. 2015 PMID: 25741868, with internal and published modifications).

Labcorp Genetics (formerly Invitae), Labcorp
Classification: Likely benign for Nephronophthisis. Last evaluated: 2025-02-26. Review status: criteria provided, single submitter. Criteria: Invitae Variant Classification Sherloc (09022015). Collection method: clinical testing. Allele origin: germline.

Blueprint Genetics
Classification: Likely benign. Last evaluated: 2022-06-21. Review status: criteria provided, single submitter. Criteria: ACMG Guidelines, 2015. Collection method: clinical testing. Allele origin: germline.

Fulgent Genetics
Classification: Likely benign for Infantile nephronophthisis. Last evaluated: 2022-05-04. Review status: criteria provided, single submitter. Criteria: ACMG Guidelines, 2015. Collection method: clinical testing. Allele origin: unknown.

NM_014425.5(INVS):c.1671C>T (p.Ile557=)

Gene: INVS (inversin; plus strand). Cytogenetic location: 9q31.1.
Variant type: single nucleotide variant.
Coding change: c.1671C>T on transcript NM_014425.5 (MANE Select); coding-DNA position 1671, C replaced by T.
Protein change: p.Ile557=; no amino-acid change (isoleucine 557 retained).
Molecular consequence: synonymous variant. On other transcripts: non-coding transcript variant (1).
Genome position (GRCh38, 1-based): chr9:100,272,963, C>T. VCF-style: chr9-100272963-C-T. GRCh37 (hg19) VCF-style: chr9-103035245-C-T.
Other names: c.1383C>T, p.Ile461= (NM_001318381.2); c.693C>T, p.Ile231= (NM_001318382.2); c.1671C>T (NM_014425.4).
Identifiers: ClinVar variation 727089 (VCV000727089.13), dbSNP rs770524429, ClinGen allele CA5158463.